The following is an entry in ClinVar:

NM_002519.3(NPAT):c.2135A>G (p.Asp712Gly)

Gene: NPAT (nuclear protein, coactivator of histone transcription; minus strand). Cytogenetic location: 11q22.3.
Variant type: single nucleotide variant.
Coding change: c.2135A>G on transcript NM_002519.3 (MANE Select); coding-DNA position 2135, A replaced by G.
Protein change: p.Asp712Gly; replaces aspartic acid 712 with glycine.
Molecular consequence: missense variant.
Genome position (GRCh38, 1-based): chr11:108,172,849, T>C on the plus strand (A>G on the coding strand, the complement: NPAT is on the minus strand). VCF-style: chr11-108172849-T-C. GRCh37 (hg19) VCF-style: chr11-108043576-T-C.
Other names: c.2135A>G, p.Asp712Gly (NM_001321307.1); short protein forms D712G.
Identifiers: ClinVar variation 1786464 (VCV001786464.4), dbSNP rs2077966666, ClinGen allele CA382513617.

ClinVar aggregate classification (germline): Uncertain significance. Review status: criteria provided, multiple submitters, no conflicts (2 of 4 stars). 2 submissions from 2 submitters: Uncertain significance (2). Last evaluated 2024-10-16.

Allele frequency attached by ClinVar (database versions not stated): gnomAD exomes below 0.00001; TOPMed below 0.00001.

Submissions (2):

Labcorp Genetics (formerly Invitae), Labcorp
Classification: Uncertain significance. Last evaluated: 2024-10-16. Review status: criteria provided, single submitter. Criteria: Invitae Variant Classification Sherloc (09022015). Collection method: clinical testing. Allele origin: germline.
Comment: This sequence change replaces aspartic acid, which is acidic and polar, with glycine, which is neutral and non-polar, at codon 712 of the NPAT protein (p.Asp712Gly). This variant is not present in population databases (gnomAD no frequency). This variant has not been reported in the literature in individuals affected with NPAT-related conditions. ClinVar contains an entry for this variant (Variation ID: 1786464). An algorithm developed to predict the effect of missense changes on protein structure and function outputs the following: PolyPhen-2: "Benign". The glycine amino acid residue is found in multiple mammalian species, which suggests that this missense change does not adversely affect protein function. In summary, the available evidence is currently insufficient to determine the role of this variant in disease. Therefore, it has been classified as a Variant of Uncertain Significance.

Ambry Genetics
Classification: Uncertain significance. Last evaluated: 2022-10-30. Review status: criteria provided, single submitter. Criteria: Ambry Variant Classification Scheme 2023. Collection method: clinical testing. Allele origin: germline.
Comment: The p.D712G variant (also known as c.2135A>G), located in coding exon 13 of the NPAT gene, results from an A to G substitution at nucleotide position 2135. The aspartic acid at codon 712 is replaced by glycine, an amino acid with similar properties. This amino acid position is conserved. In addition, this alteration is predicted to be tolerated by in silico analysis. Since supporting evidence is limited at this time, the clinical significance of this alteration remains unclear.